The following is an entry in ClinVar:

ClinVar aggregate classification (germline): Likely benign (0 of 4 stars; one submission).

Conditions:
RAD51B-related disorder. Also called: RAD51B-related condition.

Submission:

PreventionGenetics, part of Exact Sciences
Classification: Likely benign for RAD51B-related condition. Last evaluated: 2019-09-09. Review status: no assertion criteria provided. Collection method: clinical testing. Allele origin: germline.
Comment: This variant is classified as likely benign based on ACMG/AMP sequence variant interpretation guidelines (Richards et al. 2015 PMID: 25741868, with internal and published modifications).

NM_133510.4(RAD51B):c.316-18_316-3del

Gene: RAD51B (RAD51 paralog B; plus strand). Cytogenetic location: 14q24.1.
Variant type: Deletion.
Coding change: c.316-18_316-3del on transcript NM_133510.4 (MANE Select); 18 bases into the intron before coding-DNA position 316 through 3 bases into the intron before coding-DNA position 316, 16 bases deleted (TTTTTTTTTTTTTTTT).
Molecular consequence: intron variant.
Genome position (GRCh38, 1-based): chr14:67,864,985-67,865,000, TTTTTTTTTTTTTTTT deleted; deleting any 16 consecutive bases within chr14:67,864,962-67,865,000 gives the same sequence; the c. name uses the placement nearest the transcript's 3' end. VCF-style (leftmost placement, unchanged base first): chr14-67864961-CTTTTTTTTTTTTTTTT-C. GRCh37 (hg19) VCF-style: chr14-68331678-CTTTTTTTTTTTTTTTT-C.
Other names: c.316-18_316-3del (NM_001321818.2, NM_001321809.2, NM_001321821.2 and 6 more transcripts); c.-42-18_-42-3del (NM_001321817.2); c.202-18_202-3del (NM_001321815.1).
Identifiers: ClinVar variation 3055947 (VCV003055947.2), dbSNP rs745505141, ClinGen allele CA707973609.
Genomic context (GRCh38, chr14:67,864,961, plus strand): 5'-TATATGGCAAAGTCTTAAAAGGATTTTGCTTTGACTGGCTTGTGATGTTTATCTAAAAAA[CTTTTTTTTTTTTTTTT>C]TTTTTTTTTTTTTTTTTTTTTTTAGATTACAGGTCCACCAGGTTGTGGAAAAACTCAGTT-3'